The following is an entry in ClinVar:

ClinVar aggregate classification (germline): Conflicting classifications of pathogenicity. Review status: criteria provided, conflicting classifications (1 of 4 stars). 4 submissions from 4 submitters: Uncertain significance (3); Likely benign (1). Last evaluated 2025-07-17.

Conditions:
Catecholaminergic polymorphic ventricular tachycardia 1. Also called: RYR2-Related Catecholaminergic Polymorphic Ventricular Tachycardia; VENTRICULAR TACHYCARDIA, CATECHOLAMINERGIC POLYMORPHIC, 1, WITH OR WITHOUT ATRIAL DYSFUNCTION AND/OR DILATED CARDIOMYOPATHY; VENTRICULAR TACHYCARDIA, STRESS-INDUCED POLYMORPHIC 1. Identifiers: Orphanet 3286, MedGen C1631597, MONDO:0011484, OMIM 604772.
Cardiovascular phenotype. Identifiers: MedGen CN230736.
Catecholaminergic polymorphic ventricular tachycardia 2. Also called: CASQ2-Related Catecholaminergic Polymorphic Ventricular Tachycardia; VENTRICULAR TACHYCARDIA, STRESS-INDUCED POLYMORPHIC 2. Identifiers: Orphanet 3286, MedGen C2677794, MONDO:0012762, OMIM 611938.

Allele frequency attached by ClinVar (database versions not stated): gnomAD exomes 0.00001 and 0.00005; ExAC 0.00002; gnomAD 0.00002; TOPMed 0.00002.
gnomAD v4.1: 74 of 1,580,202 alleles (0.0047%); highest among the groups gnomAD compares: Non-Finnish European, 0.0063%; no homozygotes.

Submissions (4):

Ambry Genetics
Classification: Likely benign for Cardiovascular phenotype. Last evaluated: 2025-07-17. Review status: criteria provided, single submitter. Criteria: Ambry Variant Classification Scheme 2023. Collection method: clinical testing. Allele origin: germline.

Labcorp Genetics (formerly Invitae), Labcorp
Classification: Uncertain significance for Catecholaminergic polymorphic ventricular tachycardia 1. Last evaluated: 2025-06-14. Review status: criteria provided, single submitter. Criteria: Invitae Variant Classification Sherloc (09022015). Collection method: clinical testing. Allele origin: germline.
Comment: This sequence change replaces isoleucine, which is neutral and non-polar, with valine, which is neutral and non-polar, at codon 225 of the CASQ2 protein (p.Ile225Val). This variant is present in population databases (rs774546117, gnomAD 0.003%). This variant has not been reported in the literature in individuals affected with CASQ2-related conditions. ClinVar contains an entry for this variant (Variation ID: 875120). Invitae Evidence Modeling of protein sequence and biophysical properties (such as structural, functional, and spatial information, amino acid conservation, physicochemical variation, residue mobility, and thermodynamic stability) indicates that this missense variant is not expected to disrupt CASQ2 protein function with a negative predictive value of 80%. In summary, the available evidence is currently insufficient to determine the role of this variant in disease. Therefore, it has been classified as a Variant of Uncertain Significance.

Genome-Nilou Lab
Classification: Uncertain significance for Catecholaminergic polymorphic ventricular tachycardia 2. Last evaluated: 2023-04-11. Review status: criteria provided, single submitter. Criteria: ACMG Guidelines, 2015. Collection method: clinical testing. Allele origin: germline. Affected: no.

Illumina Laboratory Services, Illumina
Classification: Uncertain significance for Catecholaminergic polymorphic ventricular tachycardia 2. Last evaluated: 2018-01-12. Review status: criteria provided, single submitter. Criteria: ICSL Variant Classification Criteria 13 December 2019. Collection method: clinical testing. Allele origin: germline.

NM_001232.4(CASQ2):c.673A>G (p.Ile225Val)

Gene: CASQ2 (calsequestrin 2; minus strand). Cytogenetic location: 1p13.1.
Variant type: single nucleotide variant.
Coding change: c.673A>G on transcript NM_001232.4 (MANE Select); coding-DNA position 673, A replaced by G.
Protein change: p.Ile225Val; replaces isoleucine 225 with valine.
Molecular consequence: missense variant.
Genome position (GRCh38, 1-based): chr1:115,727,056, T>C on the plus strand (A>G on the coding strand, the complement: CASQ2 is on the minus strand). VCF-style: chr1-115727056-T-C. GRCh37 (hg19) VCF-style: chr1-116269677-T-C.
Other names: short protein forms I225V.
Identifiers: ClinVar variation 875120 (VCV000875120.13), dbSNP rs774546117, ClinGen allele CA1023822.